The following is an entry in ClinVar:

NM_025144.4(ALPK1):c.1044A>C (p.Lys348Asn)

Gene: ALPK1 (alpha kinase 1; plus strand). Cytogenetic location: 4q25.
Variant type: single nucleotide variant.
Coding change: c.1044A>C on transcript NM_025144.4 (MANE Select); coding-DNA position 1044, A replaced by C.
Protein change: p.Lys348Asn; replaces lysine 348 with asparagine.
Molecular consequence: missense variant.
Genome position (GRCh38, 1-based): chr4:112,430,591, A>C. VCF-style: chr4-112430591-A-C. GRCh37 (hg19) VCF-style: chr4-113351747-A-C.
Other names: c.1044A>C, p.Lys348Asn (NM_001102406.2); c.810A>C, p.Lys270Asn (NM_001253884.2); short protein forms K270N, K348N.
Identifiers: ClinVar variation 2208627 (VCV002208627.4), dbSNP rs754047334, ClinGen allele CA3046650.
Genomic context (GRCh38, chr4:112,430,591, plus strand): 5'-CAAAGAGGCCTTTGAGATTGGCCTCCTCACCAAGAGAGATGATGAGCCTGTTACTGGAAA[A>C]CAGGAGCTTCACAGCTTTGTCAAAGCTGCTTTCGGTCTCACCACAGTGCACAGAAGGCTC-3'
Protein context (NP_079420.3, residues 338-358): TKRDDEPVTG[Lys348Asn]QELHSFVKAA

ClinVar aggregate classification (germline): Uncertain significance. Review status: criteria provided, multiple submitters, no conflicts (2 of 4 stars). 2 submissions from 2 submitters: Uncertain significance (2). Last evaluated 2024-02-06.

Conditions:
Inborn genetic diseases. Identifiers: MedGen C0950123, MeSH D030342.

Allele frequency attached by ClinVar (database versions not stated): gnomAD 0.00001; ExAC 0.00002; gnomAD exomes 0.00002; TOPMed 0.00002.
gnomAD v4.1: 35 of 1,614,026 alleles (0.0022%); highest among the groups gnomAD compares: Non-Finnish European, 0.003%; no homozygotes.

Submissions (2):

Labcorp Genetics (formerly Invitae), Labcorp
Classification: Uncertain significance. Last evaluated: 2024-02-06. Review status: criteria provided, single submitter. Criteria: Invitae Variant Classification Sherloc (09022015). Collection method: clinical testing. Allele origin: germline.
Comment: This sequence change replaces lysine, which is basic and polar, with asparagine, which is neutral and polar, at codon 348 of the ALPK1 protein (p.Lys348Asn). This variant is present in population databases (rs754047334, gnomAD 0.005%). This variant has not been reported in the literature in individuals affected with ALPK1-related conditions. ClinVar contains an entry for this variant (Variation ID: 2208627). Advanced modeling of protein sequence and biophysical properties (such as structural, functional, and spatial information, amino acid conservation, physicochemical variation, residue mobility, and thermodynamic stability) performed at Invitae indicates that this missense variant is expected to disrupt ALPK1 protein function with a positive predictive value of 80%. In summary, the available evidence is currently insufficient to determine the role of this variant in disease. Therefore, it has been classified as a Variant of Uncertain Significance.

Ambry Genetics
Classification: Uncertain significance for Inborn genetic diseases. Last evaluated: 2022-12-07. Review status: criteria provided, single submitter. Criteria: Ambry Variant Classification Scheme 2023. Collection method: clinical testing. Allele origin: germline.